The following is an entry in ClinVar:

ClinVar aggregate classification (germline): Uncertain significance (1 of 4 stars; one submission).

Submission:

GeneDx
Classification: Uncertain significance. Last evaluated: 2022-03-11. Review status: criteria provided, single submitter. Criteria: GeneDx Variant Classification Process June 2021. Collection method: clinical testing. Allele origin: germline. Affected: yes.
Comment: Variants in candidate genes are classified as variants of uncertain significance in accordance with ACMG guidelines (Richards et al., 2015); Not observed at significant frequency in large population cohorts (gnomAD); Canonical splice site variant in a gene for which loss-of-function is not a known mechanism of disease; Has not been previously published as pathogenic or benign to our knowledge

NM_012318.3(LETM1):c.1333-1G>C

Gene: LETM1 (leucine zipper and EF-hand containing transmembrane protein 1; minus strand). Cytogenetic location: 4p16.3.
Variant type: single nucleotide variant.
Coding change: c.1333-1G>C on transcript NM_012318.3 (MANE Select); the canonical splice acceptor site of the intron before coding-DNA position 1333, G replaced by C.
Molecular consequence: splice acceptor variant.
Genome position (GRCh38, 1-based): chr4:1,823,132, C>G on the plus strand (G>C on the coding strand, the complement: LETM1 is on the minus strand). VCF-style: chr4-1823132-C-G. GRCh37 (hg19) VCF-style: chr4-1824859-C-G.
Identifiers: ClinVar variation 1712746 (VCV001712746.2), dbSNP rs2546861244, ClinGen allele CA355998831.